The following is an entry in ClinVar:

NM_001372044.2(SHANK3):c.682_683del (p.Leu228fs)

Gene: SHANK3 (SH3 and multiple ankyrin repeat domains 3; plus strand). Cytogenetic location: 22q13.33.
Variant type: Deletion.
Coding change: c.682_683del on transcript NM_001372044.2 (MANE Select); coding-DNA positions 682 to 683, 2 bases deleted (CT; older notation c.682_683delCT).
Protein change: p.Leu228fs; shifts the reading frame from leucine 228.
Molecular consequence: frameshift variant.
Genome position (GRCh38, 1-based): chr22:50,678,777-50,678,778, CT deleted. VCF-style (leftmost placement, unchanged base first): chr22-50678776-CCT-C. GRCh37 (hg19) VCF-style: chr22-51117204-CCT-C.
Other names: c.457_458del (NM_033517.1); short protein forms L228fs.
Identifiers: ClinVar variation 2443444 (VCV002443444.2), dbSNP rs2518374199, ClinGen allele CA2580099964.

ClinVar aggregate classification (germline): Pathogenic (1 of 4 stars; one submission).

Submission:

GeneDx
Classification: Pathogenic. Last evaluated: 2026-10-16. Review status: criteria provided, single submitter. Criteria: GeneDx Variant Classification Process June 2021. Collection method: clinical testing. Allele origin: germline.
Comment: Frameshift variant predicted to result in protein truncation or nonsense mediated decay in a gene for which loss of function is a known mechanism of disease; Not observed at significant frequency in large population cohorts (gnomAD); Has not been previously published as pathogenic or benign to our knowledge